The following is an entry in ClinVar:

NM_001792.5(CDH2):c.2617C>G (p.Leu873Val)

Genes: CDH2 (cadherin 2; minus strand), CDH2-AS1 (CDH2 antisense RNA 1; plus strand). Cytogenetic location: 18q12.1.
Variant type: single nucleotide variant.
Coding change: c.2617C>G on transcript NM_001792.5 (MANE Select); coding-DNA position 2617, C replaced by G.
Protein change: p.Leu873Val; replaces leucine 873 with valine.
Molecular consequence: missense variant.
Genome position (GRCh38, 1-based): chr18:27,952,257, G>C on the plus strand (C>G on the coding strand, the complement: CDH2 is on the minus strand). VCF-style: chr18-27952257-G-C. GRCh37 (hg19) VCF-style: chr18-25532221-G-C.
Other names: c.2524C>G, p.Leu842Val (NM_001308176.2); short protein forms L873V, L842V.
Identifiers: ClinVar variation 1793872 (VCV001793872.2), dbSNP rs1379928255, ClinGen allele CA402101255.
Genomic context (GRCh38, chr18:27,952,257, plus strand): 5'-GTGGCCCCCAGTCGTTCAGGTAATCATAGTCCTGCTCACCACCACTACTTGAGGAATTAA[G>C]GGAGCTCAAGGACCCAGCAGTGGAGCCACTGCCTTCATAGTCAAACACTAACAGGGAGTC-3'
Protein context (NP_001783.2, residues 863-883): SGSTAGSLSS[Leu873Val]NSSSSGGEQD

ClinVar aggregate classification (germline): Uncertain significance (1 of 4 stars; one submission).

Conditions:
Inborn genetic diseases. Identifiers: MedGen C0950123, MeSH D030342.

Allele frequency attached by ClinVar (database versions not stated): gnomAD exomes below 0.00001; TOPMed 0.00001.
gnomAD v4.1: 2 of 1,613,436 alleles (0.00012%); highest among the groups gnomAD compares: East Asian, 0.0045%; no homozygotes.

Submission:

Ambry Genetics
Classification: Uncertain significance for Inborn genetic diseases. Last evaluated: 2021-12-16. Review status: criteria provided, single submitter. Criteria: Ambry Variant Classification Scheme 2023. Collection method: clinical testing. Allele origin: germline.
Comment: The p.L873V variant (also known as c.2617C>G), located in coding exon 16 of the CDH2 gene, results from a C to G substitution at nucleotide position 2617. The leucine at codon 873 is replaced by valine, an amino acid with highly similar properties. This amino acid position is conserved. In addition, this alteration is predicted to be deleterious by in silico analysis. Since supporting evidence is limited at this time, the clinical significance of this alteration remains unclear.